The following is an entry in ClinVar:

NM_000179.3(MSH6):c.1299del (p.Phe432_Tyr433insTer)

Gene: MSH6 (mutS homolog 6; plus strand). Cytogenetic location: 2p16.3.
Variant type: Deletion.
Coding change: c.1299del on transcript NM_000179.3 (MANE Select); coding-DNA position 1299, one base deleted (T; older notation c.1299delT).
Protein change: p.Phe432_Tyr433insTer.
Molecular consequence: nonsense.
Genome position (GRCh38, 1-based): chr2:47,799,282, T deleted. VCF-style (leftmost placement, unchanged base first): chr2-47799281-AT-A. GRCh37 (hg19) VCF-style: chr2-48026420-AT-A.
Other names: c.909del, p.Phe302_Tyr303insTer (NM_001281492.2); c.393del, p.Phe130_Tyr131insTer (NM_001281493.2, NM_001281494.2); c.1299delT (NM_000179.2).
Identifiers: ClinVar variation 455129 (VCV000455129.11), dbSNP rs1553412735, ClinGen allele CA658655748.

ClinVar aggregate classification (germline): Pathogenic. Review status: criteria provided, multiple submitters, no conflicts (2 of 4 stars). 2 submissions from 2 submitters: Pathogenic (2). Last evaluated 2024-09-15.

Conditions:
Hereditary nonpolyposis colorectal neoplasms. Identifiers: MedGen C0009405, MeSH D003123.
Hereditary cancer-predisposing syndrome. Also called: Hereditary Cancer Syndrome; Hereditary neoplastic syndrome; Neoplastic Syndromes, Hereditary; Tumor predisposition. Identifiers: Orphanet 140162, MedGen C0027672, MeSH D009386, MONDO:0015356.

Submissions (2):

Labcorp Genetics (formerly Invitae), Labcorp
Classification: Pathogenic for Hereditary nonpolyposis colorectal neoplasms. Last evaluated: 2024-09-15. Review status: criteria provided, single submitter. Criteria: Invitae Variant Classification Sherloc (09022015). Collection method: clinical testing. Allele origin: germline.
Comment: This sequence change creates a premature translational stop signal (p.Tyr433*) in the MSH6 gene. It is expected to result in an absent or disrupted protein product. Loss-of-function variants in MSH6 are known to be pathogenic (PMID: 18269114, 24362816). This variant is not present in population databases (gnomAD no frequency). This variant has not been reported in the literature in individuals affected with MSH6-related conditions. ClinVar contains an entry for this variant (Variation ID: 455129). For these reasons, this variant has been classified as Pathogenic.

Ambry Genetics
Classification: Pathogenic for Hereditary cancer-predisposing syndrome. Last evaluated: 2017-12-27. Review status: criteria provided, single submitter. Criteria: Ambry Variant Classification Scheme 2023. Collection method: clinical testing. Allele origin: germline.
Comment: The c.1299delT pathogenic mutation, located in coding exon 4 of the MSH6 gene, results from a deletion of one nucleotide at nucleotide position 1299, causing a translational frameshift with a predicted alternate stop codon (p.Y433*). This alteration is expected to result in loss of function by premature protein truncation or nonsense-mediated mRNA decay. As such, this alteration is interpreted as a disease-causing mutation.

Literature cited by the submitters: PubMed 18269114 (cited by Labcorp Genetics (formerly Invitae), Labcorp); PubMed 24362816 (cited by Labcorp Genetics (formerly Invitae), Labcorp).